The following is an entry in ClinVar:

ClinVar aggregate classification (germline): Uncertain significance (1 of 4 stars; one submission).

Conditions:
Achondrogenesis, type IA (ACG1A). Identifiers: Orphanet 932, Orphanet 93299, MedGen C0265273, MONDO:0008701, OMIM 200600.

Allele frequency attached by ClinVar (database versions not stated): gnomAD 0.00001; TOPMed 0.00001; gnomAD exomes 0.00002; ExAC 0.00003.
gnomAD v4.1: 35 of 1,613,146 alleles (0.0022%); highest among the groups gnomAD compares: Non-Finnish European, 0.003%; no homozygotes.

Submission:

Labcorp Genetics (formerly Invitae), Labcorp
Classification: Uncertain significance for Achondrogenesis, type IA. Last evaluated: 2020-09-24. Review status: criteria provided, single submitter. Criteria: Invitae Variant Classification Sherloc (09022015). Collection method: clinical testing. Allele origin: germline.
Comment: In summary, the available evidence is currently insufficient to determine the role of this variant in disease. Therefore, it has been classified as a Variant of Uncertain Significance. This variant has not been reported in the literature in individuals with TRIP11-related conditions. Algorithms developed to predict the effect of missense changes on protein structure and function output the following: SIFT: "Not Available"; PolyPhen-2: "Benign"; Align-GVGD: "Not Available". The phenylalanine amino acid residue is found in multiple mammalian species, suggesting that this missense change does not adversely affect protein function. These predictions have not been confirmed by published functional studies and their clinical significance is uncertain. This sequence change replaces serine with phenylalanine at codon 1144 of the TRIP11 protein (p.Ser1144Phe). The serine residue is moderately conserved and there is a large physicochemical difference between serine and phenylalanine. This variant is present in population databases (rs751017848, ExAC 0.005%).

NM_004239.4(TRIP11):c.3431C>T (p.Ser1144Phe)

Gene: TRIP11 (thyroid hormone receptor interactor 11; minus strand). Cytogenetic location: 14q32.12.
Variant type: single nucleotide variant.
Coding change: c.3431C>T on transcript NM_004239.4 (MANE Select); coding-DNA position 3431, C replaced by T.
Protein change: p.Ser1144Phe; replaces serine 1144 with phenylalanine.
Molecular consequence: missense variant.
Genome position (GRCh38, 1-based): chr14:92,004,545, G>A on the plus strand (C>T on the coding strand, the complement: TRIP11 is on the minus strand). VCF-style: chr14-92004545-G-A. GRCh37 (hg19) VCF-style: chr14-92470889-G-A.
Other names: c.3428C>T, p.Ser1143Phe (NM_001321851.1); short protein forms S1143F, S1144F.
Identifiers: ClinVar variation 1041540 (VCV001041540.7), dbSNP rs751017848, ClinGen allele CA7313631.
Genomic context (GRCh38, chr14:92,004,545, plus strand): 5'-CGTGATAAATTCTGAATAGTTTCTCTAAACATATCTTGGCCACTACTTTCAAATCTAGTG[G>A]ACAATTTTTTATTTTCATCTTGCAGTTTGATAAGAGCTGCTTCCTTGGCAGCAACAATAT-3'
Protein context (NP_004230.2, residues 1134-1154): IKLQDENKKL[Ser1144Phe]TRFESSGQDM